The following is an entry in ClinVar:

NM_003791.4(MBTPS1):c.2330A>G (p.Glu777Gly)

Gene: MBTPS1 (membrane bound transcription factor peptidase, site 1; minus strand). Cytogenetic location: 16q23.3.
Variant type: single nucleotide variant.
Coding change: c.2330A>G on transcript NM_003791.4 (MANE Select); coding-DNA position 2330, A replaced by G.
Protein change: p.Glu777Gly; replaces glutamic acid 777 with glycine.
Molecular consequence: missense variant.
Genome position (GRCh38, 1-based): chr16:84,066,512, T>C on the plus strand (A>G on the coding strand, the complement: MBTPS1 is on the minus strand). VCF-style: chr16-84066512-T-C. GRCh37 (hg19) VCF-style: chr16-84100117-T-C.
Other names: short protein forms E777G.
Identifiers: ClinVar variation 1977044 (VCV001977044.4), dbSNP rs2507740883, ClinGen allele CA396928195.

ClinVar aggregate classification (germline): Uncertain significance (1 of 4 stars; one submission).

Submission:

Labcorp Genetics (formerly Invitae), Labcorp
Classification: Uncertain significance. Last evaluated: 2022-11-08. Review status: criteria provided, single submitter. Criteria: Invitae Variant Classification Sherloc (09022015). Collection method: clinical testing. Allele origin: germline.
Comment: Algorithms developed to predict the effect of missense changes on protein structure and function (SIFT, PolyPhen-2, Align-GVGD) all suggest that this variant is likely to be tolerated. This sequence change replaces glutamic acid, which is acidic and polar, with glycine, which is neutral and non-polar, at codon 777 of the MBTPS1 protein (p.Glu777Gly). This variant is not present in population databases (gnomAD no frequency). This variant has not been reported in the literature in individuals affected with MBTPS1-related conditions. In summary, the available evidence is currently insufficient to determine the role of this variant in disease. Therefore, it has been classified as a Variant of Uncertain Significance.